The following is an entry in ClinVar:

ClinVar aggregate classification (germline): Uncertain significance. Review status: criteria provided, single submitter (1 of 4 stars). 2 submissions from 2 submitters: Uncertain significance (1). 1 of the submissions does not count toward it. Last evaluated 2022-06-08.

Conditions:
LAMB1-related disorder. Also called: LAMB1-related condition.

Allele frequency attached by ClinVar (database versions not stated): gnomAD 0.00001; TOPMed 0.00014.
gnomAD v4.1: 18 of 1,610,112 alleles (0.0011%); highest among the groups gnomAD compares: Non-Finnish European, 0.00017%; no homozygotes.

Submissions (2):

Labcorp Genetics (formerly Invitae), Labcorp
Classification: Uncertain significance. Last evaluated: 2022-06-08. Review status: criteria provided, single submitter. Criteria: Invitae Variant Classification Sherloc (09022015). Collection method: clinical testing. Allele origin: germline.
Comment: This sequence change replaces valine, which is neutral and non-polar, with glycine, which is neutral and non-polar, at codon 1036 of the LAMB1 protein (p.Val1036Gly). This variant is present in population databases (no rsID available, gnomAD 0.007%). This variant has not been reported in the literature in individuals affected with LAMB1-related conditions. Algorithms developed to predict the effect of missense changes on protein structure and function (SIFT, PolyPhen-2, Align-GVGD) all suggest that this variant is likely to be tolerated. In summary, the available evidence is currently insufficient to determine the role of this variant in disease. Therefore, it has been classified as a Variant of Uncertain Significance.

PreventionGenetics, part of Exact Sciences
Classification: Uncertain significance for LAMB1-related condition. Last evaluated: 2024-03-11. Review status: no assertion criteria provided. Collection method: clinical testing. Allele origin: germline. Not counted in ClinVar's aggregate classification.
Comment: The LAMB1 c.3107T>G variant is predicted to result in the amino acid substitution p.Val1036Gly. To our knowledge, this variant has not been reported in the literature. This variant is reported in 0.0065% of alleles in individuals of European (Non-Finnish) descent in gnomAD. At this time, the clinical significance of this variant is uncertain due to the absence of conclusive functional and genetic evidence.

NM_002291.3(LAMB1):c.3107T>G (p.Val1036Gly)

Gene: LAMB1 (laminin subunit beta 1; minus strand). Cytogenetic location: 7q31.1.
Variant type: single nucleotide variant.
Coding change: c.3107T>G on transcript NM_002291.3 (MANE Select); coding-DNA position 3107, T replaced by G.
Protein change: p.Val1036Gly; replaces valine 1036 with glycine.
Molecular consequence: missense variant.
Genome position (GRCh38, 1-based): chr7:107,952,196, A>C on the plus strand (T>G on the coding strand, the complement: LAMB1 is on the minus strand). VCF-style: chr7-107952196-A-C. GRCh37 (hg19) VCF-style: chr7-107592641-A-C.
Other names: c.3107T>G (NM_002291.2); short protein forms V1036G.
Identifiers: ClinVar variation 2177640 (VCV002177640.5), dbSNP rs1039475666, ClinGen allele CA164244028.